The following is an entry in ClinVar:

ClinVar aggregate classification (germline): Likely pathogenic (1 of 4 stars; one submission).

Conditions:
Rubinstein-Taybi syndrome due to EP300 haploinsufficiency. Also called: EP300-Related Rubinstein-Taybi Syndrome; RUBINSTEIN-TAYBI SYNDROME 2. Identifiers: Orphanet 353284, Orphanet 783, MedGen C3150941, MONDO:0013364, OMIM 613684.

Submission:

Centre for Mendelian Genomics, University Medical Centre Ljubljana
Classification: Likely pathogenic for Rubinstein-Taybi syndrome due to EP300 haploinsufficiency. Last evaluated: 2026-07-22. Review status: criteria provided, single submitter. Criteria: ACMG Guidelines, 2015. Collection method: clinical testing. Allele origin: germline. Affected: yes. Observed: 1 variant allele.
Comment: The variant has not previously been reported as pathogenic; however, other pathogenic loss-of-function variants in the same exon have been reported in the literature. The variant is anticipated to result in loss of function in EP300, where loss of function is an established mechanism of pathogenicity [PVS1]. The variant is absent from control populations in gnomAD [PM2]. Based on the evidence presented above, we classify the identified variant as likely pathogenic.

NM_001429.4(EP300):c.4508dup (p.Tyr1503Ter)

Gene: EP300 (EP300 lysine acetyltransferase; plus strand). Cytogenetic location: 22q13.2.
Variant type: Duplication.
Coding change: c.4508dup on transcript NM_001429.4 (MANE Select); coding-DNA position 4508, one base duplicated (A; older notation c.4508dupA).
Protein change: p.Tyr1503Ter; replaces tyrosine 1503 with a stop codon.
Molecular consequence: nonsense.
Genome position (GRCh38, 1-based): chr22:41,172,554, A duplicated. VCF-style (leftmost placement, unchanged base first): chr22-41172553-T-TA. GRCh37 (hg19) VCF-style: chr22-41568557-T-TA.
Other names: p.Tyr1503Ter; c.4430dup, p.Tyr1477Ter (NM_001362843.2); c.4508dupA (NM_001429.4); short protein forms Y1477*, Y1503*.
Identifiers: ClinVar variation 4871908 (VCV004871908.1).